The following is an entry in ClinVar:

ClinVar aggregate classification (germline): Uncertain significance. Review status: criteria provided, multiple submitters, no conflicts (2 of 4 stars). 3 submissions from 3 submitters: Uncertain significance (3). Last evaluated 2026-03-03.

Conditions:
CSGALNACT1-related disorder. Also called: CSGALNACT1-related condition.
Inborn genetic diseases. Identifiers: MedGen C0950123, MeSH D030342.

Allele frequency attached by ClinVar (database versions not stated): ExAC 0.00002; gnomAD 0.00003; TOPMed 0.00005; gnomAD exomes 0.00008.

Submissions (3):

PreventionGenetics, part of Exact Sciences
Classification: Uncertain significance for CSGALNACT1-related condition. Last evaluated: 2026-03-03. Review status: criteria provided, single submitter. Criteria: ACMG Guidelines, 2015. Collection method: clinical testing. Allele origin: germline.
Comment: The CSGALNACT1 c.604C>T variant is predicted to result in the amino acid substitution p.Arg202Cys. To our knowledge, this variant has not been reported in the literature. This variant is reported in 0.012% of alleles in individuals of African descent in gnomAD. At this time, the clinical significance of this variant is uncertain due to the absence of conclusive functional and genetic evidence.

Ambry Genetics
Classification: Uncertain significance for Inborn genetic diseases. Last evaluated: 2023-12-12. Review status: criteria provided, single submitter. Criteria: Ambry Variant Classification Scheme 2023. Collection method: clinical testing. Allele origin: germline.

Labcorp Genetics (formerly Invitae), Labcorp
Classification: Uncertain significance. Last evaluated: 2023-04-28. Review status: criteria provided, single submitter. Criteria: Invitae Variant Classification Sherloc (09022015). Collection method: clinical testing. Allele origin: germline.
Comment: This variant has not been reported in the literature in individuals affected with CSGALNACT1-related conditions. In summary, the available evidence is currently insufficient to determine the role of this variant in disease. Therefore, it has been classified as a Variant of Uncertain Significance. Advanced modeling of protein sequence and biophysical properties (such as structural, functional, and spatial information, amino acid conservation, physicochemical variation, residue mobility, and thermodynamic stability) performed at Invitae indicates that this missense variant is not expected to disrupt CSGALNACT1 protein function. ClinVar contains an entry for this variant (Variation ID: 2185815). This variant is present in population databases (rs767362439, gnomAD 0.01%). This sequence change replaces arginine, which is basic and polar, with cysteine, which is neutral and slightly polar, at codon 202 of the CSGALNACT1 protein (p.Arg202Cys).

NM_001354483.2(CSGALNACT1):c.604C>T (p.Arg202Cys)

Gene: CSGALNACT1 (chondroitin sulfate N-acetylgalactosaminyltransferase 1; minus strand). Cytogenetic location: 8p21.3.
Variant type: single nucleotide variant.
Coding change: c.604C>T on transcript NM_001354483.2 (MANE Select); coding-DNA position 604, C replaced by T.
Protein change: p.Arg202Cys; replaces arginine 202 with cysteine.
Molecular consequence: missense variant. On other transcripts: non-coding transcript variant (7).
Genome position (GRCh38, 1-based): chr8:19,505,231, G>A on the plus strand (C>T on the coding strand, the complement: CSGALNACT1 is on the minus strand). VCF-style: chr8-19505231-G-A. GRCh37 (hg19) VCF-style: chr8-19362742-G-A.
Other names: c.604C>T, p.Arg202Cys (NM_001130518.2, NM_001354475.2, NM_001354476.2 and 18 more transcripts); c.604C>T (NM_001130518.1); short protein forms R202C.
Identifiers: ClinVar variation 2185815 (VCV002185815.4), dbSNP rs767362439, ClinGen allele CA4654203.
Genomic context (GRCh38, chr8:19,505,231, plus strand): 5'-TCCTTTCCCCCCAATTCACAAAATGCTAACCTTCTATGAAATCAGAGGCCGTGTAAGGAC[G>A]GTGATTGGGGCTGTTCTCTGCAGGACTGTTCAGGGTCTCCAAGGCTGATTCAATGGCTTC-3'
Protein context (NP_001341412.1, residues 192-212): NSPAENSPNH[Arg202Cys]PYTASDFIEG